The following is an entry in ClinVar:

NM_017617.5(NOTCH1):c.5362G>A (p.Gly1788Ser)

Gene: NOTCH1 (notch receptor 1; minus strand). Cytogenetic location: 9q34.3.
Variant type: single nucleotide variant.
Coding change: c.5362G>A on transcript NM_017617.5 (MANE Select); coding-DNA position 5362, G replaced by A.
Protein change: p.Gly1788Ser; replaces glycine 1788 with serine.
Molecular consequence: missense variant.
Genome position (GRCh38, 1-based): chr9:136,502,294, C>T on the plus strand (G>A on the coding strand, the complement: NOTCH1 is on the minus strand). VCF-style: chr9-136502294-C-T. GRCh37 (hg19) VCF-style: chr9-139396746-C-T.
Other names: short protein forms G1788S.
Identifiers: ClinVar variation 968772 (VCV000968772.10), dbSNP rs1843010334, ClinGen allele CA375640374.

ClinVar aggregate classification (germline): Uncertain significance. Review status: criteria provided, multiple submitters, no conflicts (2 of 4 stars). 2 submissions from 2 submitters: Uncertain significance (2). Last evaluated 2025-07-18.

Conditions:
Adams-Oliver syndrome 5 (AOS5). Identifiers: Orphanet 974, MedGen C4014970, MONDO:0014459, OMIM 616028.

Submissions (2):

GeneDx
Classification: Uncertain significance. Last evaluated: 2025-07-18. Review status: criteria provided, single submitter. Criteria: GeneDx Variant Classification Process June 2021. Collection method: clinical testing. Allele origin: germline. Affected: yes.
Comment: Not observed at significant frequency in large population cohorts (gnomAD); In silico analysis supports that this missense variant has a deleterious effect on protein structure/function; Has not been previously published as pathogenic or benign to our knowledge

Labcorp Genetics (formerly Invitae), Labcorp
Classification: Uncertain significance for Adams-Oliver syndrome 5. Last evaluated: 2022-07-11. Review status: criteria provided, single submitter. Criteria: Invitae Variant Classification Sherloc (09022015). Collection method: clinical testing. Allele origin: germline.
Comment: This sequence change replaces glycine, which is neutral and non-polar, with serine, which is neutral and polar, at codon 1788 of the NOTCH1 protein (p.Gly1788Ser). This variant is not present in population databases (gnomAD no frequency). This variant has not been reported in the literature in individuals affected with NOTCH1-related conditions. ClinVar contains an entry for this variant (Variation ID: 968772). Algorithms developed to predict the effect of missense changes on protein structure and function (SIFT, PolyPhen-2, Align-GVGD) all suggest that this variant is likely to be disruptive. In summary, the available evidence is currently insufficient to determine the role of this variant in disease. Therefore, it has been classified as a Variant of Uncertain Significance.